The following is an entry in ClinVar:

ClinVar aggregate classification (germline): Likely benign (0 of 4 stars; one submission).

Conditions:
VPS13B-related disorder. Also called: VPS13B-related condition.

Submission:

PreventionGenetics, part of Exact Sciences
Classification: Likely benign for VPS13B-related condition. Last evaluated: 2024-05-16. Review status: no assertion criteria provided. Collection method: clinical testing. Allele origin: germline.
Comment: This variant is classified as likely benign based on ACMG/AMP sequence variant interpretation guidelines (Richards et al. 2015 PMID: 25741868, with internal and published modifications).

NM_152564.5(VPS13B):c.8445+3G>A

Gene: VPS13B (vacuolar protein sorting 13 homolog B; plus strand). Cytogenetic location: 8q22.2.
Variant type: single nucleotide variant.
Coding change: c.8445+3G>A on transcript NM_152564.5 (MANE Select); 3 bases into the intron after coding-DNA position 8445, G replaced by A.
Molecular consequence: intron variant.
Genome position (GRCh38, 1-based): chr8:99,818,537, G>A. VCF-style: chr8-99818537-G-A. GRCh37 (hg19) VCF-style: chr8-100830765-G-A.
Other names: c.8520+3G>A (NM_017890.5).
Identifiers: ClinVar variation 3348539 (VCV003348539.1).